The following is an entry in ClinVar:

ClinVar aggregate classification (germline): Conflicting classifications of pathogenicity. Review status: criteria provided, conflicting classifications (1 of 4 stars). 2 submissions from 2 submitters: Uncertain significance (1); Likely benign (1). Last evaluated 2024-06-17.

Conditions:
Inborn genetic diseases. Identifiers: MedGen C0950123, MeSH D030342.

Allele frequency attached by ClinVar (database versions not stated): gnomAD exomes below 0.00001.

Submissions (2):

Ambry Genetics
Classification: Likely benign for Inborn genetic diseases. Last evaluated: 2024-06-17. Review status: criteria provided, single submitter. Criteria: Ambry Variant Classification Scheme 2023. Collection method: clinical testing. Allele origin: germline.

Labcorp Genetics (formerly Invitae), Labcorp
Classification: Uncertain significance. Last evaluated: 2023-08-10. Review status: criteria provided, single submitter. Criteria: Invitae Variant Classification Sherloc (09022015). Collection method: clinical testing. Allele origin: germline.
Comment: This sequence change replaces aspartic acid, which is acidic and polar, with glycine, which is neutral and non-polar, at codon 2984 of the DCHS1 protein (p.Asp2984Gly). This variant is not present in population databases (gnomAD no frequency). This variant has not been reported in the literature in individuals affected with DCHS1-related conditions. Advanced modeling of protein sequence and biophysical properties (such as structural, functional, and spatial information, amino acid conservation, physicochemical variation, residue mobility, and thermodynamic stability) performed at Invitae indicates that this missense variant is not expected to disrupt DCHS1 protein function. In summary, the available evidence is currently insufficient to determine the role of this variant in disease. Therefore, it has been classified as a Variant of Uncertain Significance.

NM_003737.4(DCHS1):c.8951A>G (p.Asp2984Gly)

Gene: DCHS1 (dachsous cadherin-related 1; minus strand). Cytogenetic location: 11p15.4.
Variant type: single nucleotide variant.
Coding change: c.8951A>G on transcript NM_003737.4 (MANE Select); coding-DNA position 8951, A replaced by G.
Protein change: p.Asp2984Gly; replaces aspartic acid 2984 with glycine.
Molecular consequence: missense variant.
Genome position (GRCh38, 1-based): chr11:6,622,725, T>C on the plus strand (A>G on the coding strand, the complement: DCHS1 is on the minus strand). VCF-style: chr11-6622725-T-C. GRCh37 (hg19) VCF-style: chr11-6643956-T-C.
Other names: c.8951A>G (NM_003737.2); short protein forms D2984G.
Identifiers: ClinVar variation 2821239 (VCV002821239.4), dbSNP rs2493809648, ClinGen allele CA379480022.